The following is an entry in ClinVar:

NM_206933.4(USH2A):c.11548+2T>G

Gene: USH2A (usherin; minus strand). Cytogenetic location: 1q41.
Variant type: single nucleotide variant.
Coding change: c.11548+2T>G on transcript NM_206933.4 (MANE Select); the canonical splice donor site of the intron after coding-DNA position 11548, T replaced by G.
Molecular consequence: splice donor variant.
Genome position (GRCh38, 1-based): chr1:215,743,175, A>C on the plus strand (T>G on the coding strand, the complement: USH2A is on the minus strand). VCF-style: chr1-215743175-A-C. GRCh37 (hg19) VCF-style: chr1-215916517-A-C.
Identifiers: ClinVar variation 867169 (VCV000867169.8), dbSNP rs1371160062, ClinGen allele CA344834487.
Genomic context (GRCh38, chr1:215,743,175, plus strand): 5'-GAAATTTTTTAATGAAATACTTTTTCATAAAAGCCCAGGCCAAGTGTCTGAAAGACTTTC[A>C]CCATTTTGACATGCTTGTATCCTTATCTCATACTGTGTGAATGGAGTCAAATTTTCCAGA-3'

ClinVar aggregate classification (germline): Pathogenic. Review status: criteria provided, multiple submitters, no conflicts (2 of 4 stars). 3 submissions from 3 submitters: Pathogenic (3). Last evaluated 2023-04-11.

Conditions:
Retinitis pigmentosa 39 (RP39). Identifiers: Orphanet 791, MedGen C3151138, MONDO:0013436, OMIM 613809.
USH2A-related disorder. Also called: USH2A-related condition; USH2A-related disorders. Identifiers: MedGen CN239332.

Submissions (3):

Genome-Nilou Lab
Classification: Pathogenic for Retinitis pigmentosa 39. Last evaluated: 2023-04-11. Review status: criteria provided, single submitter. Criteria: ACMG Guidelines, 2015. Collection method: clinical testing. Allele origin: germline. Affected: no.

Labcorp Genetics (formerly Invitae), Labcorp
Classification: Pathogenic. Last evaluated: 2022-06-19. Review status: criteria provided, single submitter. Criteria: Invitae Variant Classification Sherloc (09022015). Collection method: clinical testing. Allele origin: germline.
Comment: This sequence change affects a donor splice site in intron 59 of the USH2A gene. It is expected to disrupt RNA splicing. Variants that disrupt the donor or acceptor splice site typically lead to a loss of protein function (PMID: 16199547), and loss-of-function variants in USH2A are known to be pathogenic (PMID: 10729113, 10909849, 20507924, 25649381). This variant is not present in population databases (gnomAD no frequency). Disruption of this splice site has been observed in individual(s) with Usher syndrome (PMID: 22004887). ClinVar contains an entry for this variant (Variation ID: 867169). For these reasons, this variant has been classified as Pathogenic.

Blueprint Genetics
Classification: Pathogenic for USH2A-related disorders. Last evaluated: 2019-01-23. Review status: criteria provided, single submitter. Criteria: ACMG Guidelines, 2015. Collection method: clinical testing. Allele origin: germline. Affected: yes. Observed: 1 variant allele.

Literature cited by the submitters: PubMed 16199547 (cited by Labcorp Genetics (formerly Invitae), Labcorp); PubMed 10729113 (cited by Labcorp Genetics (formerly Invitae), Labcorp); PubMed 10909849 (cited by Labcorp Genetics (formerly Invitae), Labcorp); PubMed 20507924 (cited by Labcorp Genetics (formerly Invitae), Labcorp); PubMed 25649381 (cited by Labcorp Genetics (formerly Invitae), Labcorp); PubMed 22004887 (cited by Labcorp Genetics (formerly Invitae), Labcorp).